The following is an entry in ClinVar:

NM_020759.3(STARD9):c.8564C>T (p.Thr2855Ile)

Gene: STARD9 (StAR related lipid transfer domain containing 9; plus strand). Cytogenetic location: 15q15.2.
Variant type: single nucleotide variant.
Coding change: c.8564C>T on transcript NM_020759.3 (MANE Select); coding-DNA position 8564, C replaced by T.
Protein change: p.Thr2855Ile; replaces threonine 2855 with isoleucine.
Molecular consequence: missense variant.
Genome position (GRCh38, 1-based): chr15:42,690,142, C>T. VCF-style: chr15-42690142-C-T. GRCh37 (hg19) VCF-style: chr15-42982340-C-T.
Other names: short protein forms T2855I.
Identifiers: ClinVar variation 3060020 (VCV003060020.2), dbSNP rs8031218, ClinGen allele CA7514608.

ClinVar aggregate classification (germline): Benign (0 of 4 stars; one submission).

Conditions:
STARD9-related disorder. Also called: STARD9-related condition.

Allele frequency attached by ClinVar (database versions not stated): gnomAD 0.28165; ESP Exome Variant Server 0.28637; ExAC 0.30194; 1000 Genomes Project 0.31450; 1000 Genomes Project 30x 0.32089.
gnomAD v4.1: 331,521 of 1,537,518 alleles (22%); highest among the groups gnomAD compares: African/African-American, 50%; 41,082 homozygotes.

Submission:

PreventionGenetics, part of Exact Sciences
Classification: Benign for STARD9-related condition. Last evaluated: 2019-10-21. Review status: no assertion criteria provided. Collection method: clinical testing. Allele origin: germline.
Comment: This variant is classified as benign based on ACMG/AMP sequence variant interpretation guidelines (Richards et al. 2015 PMID: 25741868, with internal and published modifications).